The following is an entry in ClinVar:

ClinVar aggregate classification (germline): Likely pathogenic (1 of 4 stars; one submission).

Conditions:
Hemochromatosis type 3 (HFE3). Also called: HEMOCHROMATOSIS DUE TO DEFECT IN TRANSFERRIN RECEPTOR 2; Hereditary hemochromatosis type 3; TFR2-Related Hemochromatosis. Identifiers: Orphanet 225123, MedGen C1858664, MONDO:0011417, OMIM 604250.

Submission:

Natera, Inc.
Classification: Likely pathogenic for Hereditary hemochromatosis type 3. Last evaluated: 2025-12-02. Review status: criteria provided, single submitter. Criteria: Natera Variant Classification Schema (03/2026). Collection method: clinical testing. Allele origin: germline.
Comment: The c.1416dup variant in TFR2 is a frameshift variant predicted to shift the reading frame beginning at codon 473 and leads to a stop codon 8 codons downstream. This variant is expected to result in nonsense mediated decay, truncation, or a dysfunctional protein product. This variant is rare in the general population with a frequency below the threshold expected for the associated phenotype(s). Given the available evidence, this variant is classified as Likely Pathogenic.

NM_003227.4(TFR2):c.1416dup (p.Phe473fs)

Gene: TFR2 (transferrin receptor 2; minus strand). Cytogenetic location: 7q22.1.
Variant type: Duplication.
Coding change: c.1416dup on transcript NM_003227.4 (MANE Select); coding-DNA position 1416, one base duplicated (C; older notation c.1416dupC).
Protein change: p.Phe473fs; shifts the reading frame from phenylalanine 473.
Molecular consequence: frameshift variant.
Genome position (GRCh38, 1-based): chr7:100,628,281, G duplicated on the plus strand (C on the coding strand, the reverse complement: TFR2 is on the minus strand). VCF-style (leftmost placement, unchanged base first): chr7-100628280-A-AG. GRCh37 (hg19) VCF-style: chr7-100225903-A-AG.
Other names: c.903dup, p.Phe302fs (NM_001206855.3); short protein forms F302fs, F473fs.
Identifiers: ClinVar variation 4815095 (VCV004815095.1).
Genomic context (GRCh38, chr7:100,628,280, plus strand): 5'-TCACCTCTAGCCACTCCGTGGAGCCCACGCTTCCAAAGTCACCACCGTCCCAGCTGATGA[A>AG]GAGGAGACTTCTGCGGGGCCGGAAGCCTGGGGACAGAGGGGAAGGAGGACAGGCTTAGCA-3'